The following is an entry in ClinVar:

ClinVar aggregate classification (germline): Uncertain significance (1 of 4 stars; one submission).

Conditions:
Arrhythmogenic right ventricular dysplasia 12. Also called: ARRHYTHMOGENIC RIGHT VENTRICULAR DYSPLASIA, FAMILIAL, 12. Identifiers: MedGen C1969081, MONDO:0012684, OMIM 611528.
Naxos disease (NXD). Also called: CARDIOMYOPATHY, ARRHYTHMOGENIC RIGHT VENTRICULAR, WITH SKIN, HAIR, AND NAIL ABNORMALITIES; KERATOSIS PALMOPLANTARIS WITH ARRHYTHMOGENIC CARDIOMYOPATHY; MAL DE NAXOS; PALMOPLANTAR KERATODERMA WITH ARRHYTHMOGENIC RIGHT VENTRICULAR CARDIOMYOPATHY AND WOOLLY HAIR; WOOLLY HAIR, PALMOPLANTAR KERATODERMA, AND CARDIAC ABNORMALITIES. Identifiers: Orphanet 34217, MedGen C1832600, MONDO:0011017, OMIM 601214.

Allele frequency attached by ClinVar (database versions not stated): gnomAD exomes below 0.00001.

Submission:

Labcorp Genetics (formerly Invitae), Labcorp
Classification: Uncertain significance for Arrhythmogenic right ventricular dysplasia 12; Naxos disease. Last evaluated: 2024-07-04. Review status: criteria provided, single submitter. Criteria: Invitae Variant Classification Sherloc (09022015). Collection method: clinical testing. Allele origin: germline.
Comment: This sequence change replaces threonine, which is neutral and polar, with isoleucine, which is neutral and non-polar, at codon 414 of the JUP protein (p.Thr414Ile). This variant is not present in population databases (gnomAD no frequency). This variant has not been reported in the literature in individuals affected with JUP-related conditions. An algorithm developed to predict the effect of missense changes on protein structure and function (PolyPhen-2) suggests that this variant is likely to be tolerated. In summary, the available evidence is currently insufficient to determine the role of this variant in disease. Therefore, it has been classified as a Variant of Uncertain Significance.

NM_002230.4(JUP):c.1241C>T (p.Thr414Ile)

Gene: JUP (junction plakoglobin; minus strand). Cytogenetic location: 17q21.2.
Variant type: single nucleotide variant.
Coding change: c.1241C>T on transcript NM_002230.4 (MANE Select); coding-DNA position 1241, C replaced by T.
Protein change: p.Thr414Ile; replaces threonine 414 with isoleucine.
Molecular consequence: missense variant.
Genome position (GRCh38, 1-based): chr17:41,763,239, G>A on the plus strand (C>T on the coding strand, the complement: JUP is on the minus strand). VCF-style: chr17-41763239-G-A. GRCh37 (hg19) VCF-style: chr17-39919491-G-A.
Other names: c.1241C>T, p.Thr414Ile (NM_001352773.2, NM_001352774.2, NM_001352775.2 and 3 more transcripts); short protein forms T414I.
Identifiers: ClinVar variation 2921781 (VCV002921781.3), dbSNP rs2544109907, ClinGen allele CA399497814.